The following is an entry in ClinVar:

ClinVar aggregate classification (germline): Uncertain significance. Review status: criteria provided, multiple submitters, no conflicts (2 of 4 stars). 3 submissions from 3 submitters: Uncertain significance (2). 1 of the submissions does not count toward it. Last evaluated 2024-05-16.

Conditions:
Familial hypokalemia-hypomagnesemia (GTLMNS). Also called: POTASSIUM AND MAGNESIUM DEPLETION; gitelman syndrome; HYPOMAGNESEMIA-HYPOKALEMIA, PRIMARY RENOTUBULAR, WITH HYPOCALCIURIA. Identifiers: Orphanet 358, MedGen C0268450, MONDO:0009904, OMIM 263800.

Allele frequency attached by ClinVar (database versions not stated): gnomAD 0.00001; TOPMed 0.00001.

Submissions (3):

Fulgent Genetics
Classification: Uncertain significance for Familial hypokalemia-hypomagnesemia. Last evaluated: 2024-05-16. Review status: criteria provided, single submitter. Criteria: ACMG Guidelines, 2015. Collection method: clinical testing. Allele origin: germline.

3billion
Classification: Uncertain significance for Familial hypokalemia-hypomagnesemia. Last evaluated: 2022-09-01. Review status: criteria provided, single submitter. Criteria: ACMG Guidelines, 2015. Collection method: clinical testing. Allele origin: germline. Affected: yes. Observed: 1 heterozygote.
Comment: The variant is not observed in the gnomAD v2.1.1 dataset. Same nucleotide change resulting in same amino acid change has been previously reported to be associated with SLC12A3-related disorder (PMID: 27216017). However, the evidence of pathogenicity is insufficient at this time. Therefore, this variant is classified as uncertain significance according to the recommendation of ACMG/AMP guideline.

Martin Pollak Laboratory,  Beth Israel Deaconess Medical Center
Classification: Uncertain significance. Review status: no assertion criteria provided. Collection method: not provided. Allele origin: unknown. Not counted in ClinVar's aggregate classification.
Comment: Lower UCa2+ group
ClinVar note: Converted during submission from unknown to Uncertain significance.

Literature cited by the submitters: PubMed 27216017 (cited by 3billion).

NM_001126108.2(SLC12A3):c.697A>G (p.Met233Val)

Gene: SLC12A3 (solute carrier family 12 member 3; plus strand). Cytogenetic location: 16q13.
Variant type: single nucleotide variant.
Coding change: c.697A>G on transcript NM_001126108.2 (MANE Select); coding-DNA position 697, A replaced by G.
Protein change: p.Met233Val; replaces methionine 233 with valine.
Molecular consequence: missense variant.
Genome position (GRCh38, 1-based): chr16:56,870,191, A>G. VCF-style: chr16-56870191-A-G. GRCh37 (hg19) VCF-style: chr16-56904103-A-G.
Other names: c.697A>G, p.Met233Val (NM_000339.3); c.694A>G, p.Met232Val (NM_001126107.2); short protein forms M233V, M232V.
Identifiers: ClinVar variation 64418 (VCV000064418.4), dbSNP rs387907469, ClinGen allele CA216098.